The following is an entry in ClinVar:

NM_020461.4(TUBGCP6):c.4090_4091del (p.Ser1364fs)

Gene: TUBGCP6 (tubulin gamma complex component 6; minus strand). Cytogenetic location: 22q13.33.
Variant type: Deletion.
Coding change: c.4090_4091del on transcript NM_020461.4 (MANE Select); coding-DNA positions 4090 to 4091, 2 bases deleted (AG; older notation c.4090_4091delAG).
Protein change: p.Ser1364fs; shifts the reading frame from serine 1364.
Molecular consequence: frameshift variant.
Genome position (GRCh38, 1-based): chr22:50,220,268-50,220,269, CT deleted on the plus strand (AG on the coding strand, the reverse complement: TUBGCP6 is on the minus strand). VCF-style (leftmost placement, unchanged base first): chr22-50220267-ACT-A. GRCh37 (hg19) VCF-style: chr22-50658696-ACT-A.
Other names: short protein forms S1364fs.
Identifiers: ClinVar variation 1451832 (VCV001451832.6), dbSNP rs772772535, ClinGen allele CA10307728.
Genomic context (GRCh38, chr22:50,220,267, plus strand): 5'-CGTCCCACAGTCCCACTCCTGACCACCAGCCACCCTACTCTGACCTAGTTCTTCAGAGAC[ACT>A]GTCTCCCGGGGTGTTGGGCCACCATGGTTGGGTGGGAGCCACGTCTGACACGTTCTCCCC-3'

ClinVar aggregate classification (germline): Pathogenic (1 of 4 stars; one submission).

Allele frequency attached by ClinVar (database versions not stated): gnomAD exomes below 0.00001 and 0.00001; ExAC 0.00001; gnomAD 0.00001; TOPMed 0.00001.

Submission:

Labcorp Genetics (formerly Invitae), Labcorp
Classification: Pathogenic. Last evaluated: 2025-11-18. Review status: criteria provided, single submitter. Criteria: Invitae Variant Classification Sherloc (09022015). Collection method: clinical testing. Allele origin: germline.
Comment: This sequence change creates a premature translational stop signal (p.Ser1364Cysfs*3) in the TUBGCP6 gene. It is expected to result in an absent or disrupted protein product. Loss-of-function variants in TUBGCP6 are known to be pathogenic (PMID: 25344692). This variant is present in population databases (rs772772535, gnomAD 0.004%). This variant has not been reported in the literature in individuals affected with TUBGCP6-related conditions. ClinVar contains an entry for this variant (Variation ID: 1451832). For these reasons, this variant has been classified as Pathogenic.

Literature cited by the submitters: PubMed 25344692.